The following is an entry in ClinVar:

NM_002085.5(GPX4):c.561+4G>T

Gene: GPX4 (glutathione peroxidase 4; plus strand). Cytogenetic location: 19p13.3.
Variant type: single nucleotide variant.
Coding change: c.561+4G>T on transcript NM_002085.5 (MANE Select); 4 bases into the intron after coding-DNA position 561, G replaced by T.
Molecular consequence: intron variant.
Genome position (GRCh38, 1-based): chr19:1,106,463, G>T. VCF-style: chr19-1106463-G-T. GRCh37 (hg19) VCF-style: chr19-1106462-G-T.
Other names: c.583+4G>T (NM_001039847.3); c.480+4G>T (NM_001367832.1); c.672+4G>T (NM_001039848.4).
Identifiers: ClinVar variation 2142226 (VCV002142226.2), dbSNP rs781320737, ClinGen allele CA9037486.

ClinVar aggregate classification (germline): Uncertain significance (1 of 4 stars; one submission).

Allele frequency attached by ClinVar (database versions not stated): ExAC 0.00003; gnomAD 0.00003.

Submission:

Labcorp Genetics (formerly Invitae), Labcorp
Classification: Uncertain significance. Last evaluated: 2023-12-11. Review status: criteria provided, single submitter. Criteria: Invitae Variant Classification Sherloc (09022015). Collection method: clinical testing. Allele origin: germline.
Comment: This sequence change falls in intron 6 of the GPX4 gene. It does not directly change the encoded amino acid sequence of the GPX4 protein. It affects a nucleotide within the consensus splice site. This variant is present in population databases (rs781320737, gnomAD 0.01%). This variant has not been reported in the literature in individuals affected with GPX4-related conditions. ClinVar contains an entry for this variant (Variation ID: 2142226). Variants that disrupt the consensus splice site are a relatively common cause of aberrant splicing (PMID: 17576681, 9536098). Algorithms developed to predict the effect of sequence changes on RNA splicing suggest that this variant is not likely to affect RNA splicing. In summary, the available evidence is currently insufficient to determine the role of this variant in disease. Therefore, it has been classified as a Variant of Uncertain Significance.

Literature cited by the submitters: PubMed 17576681; PubMed 9536098.